The following is an entry in ClinVar:

ClinVar aggregate classification (germline): Uncertain significance (1 of 4 stars; one submission).

Allele frequency attached by ClinVar (database versions not stated): TOPMed below 0.00001.

Submission:

Labcorp Genetics (formerly Invitae), Labcorp
Classification: Uncertain significance. Last evaluated: 2023-04-23. Review status: criteria provided, single submitter. Criteria: Invitae Variant Classification Sherloc (09022015). Collection method: clinical testing. Allele origin: germline.
Comment: In summary, the available evidence is currently insufficient to determine the role of this variant in disease. Therefore, it has been classified as a Variant of Uncertain Significance. Experimental studies and prediction algorithms are not available or were not evaluated, and the effect of this variant on mRNA splicing is currently unknown. This variant has not been reported in the literature in individuals affected with ADNP-related conditions. This variant is present in population databases (no rsID available, gnomAD 0.0009%). This sequence change falls in intron 4 of the ADNP gene. It does not directly change the encoded amino acid sequence of the ADNP protein.

NM_001282531.3(ADNP):c.201+16G>A

Gene: ADNP (activity dependent neuroprotector homeobox; minus strand). Cytogenetic location: 20q13.13.
Variant type: single nucleotide variant.
Coding change: c.201+16G>A on transcript NM_001282531.3 (MANE Select); 16 bases into the intron after coding-DNA position 201, G replaced by A.
Molecular consequence: intron variant.
Genome position (GRCh38, 1-based): chr20:50,902,001, C>T on the plus strand (G>A on the coding strand, the complement: ADNP is on the minus strand). VCF-style: chr20-50902001-C-T. GRCh37 (hg19) VCF-style: chr20-49518538-C-T.
Other names: c.201+16G>A (NM_181442.4, NM_001347511.2, NM_015339.5 and 1 more transcripts).
Identifiers: ClinVar variation 2858581 (VCV002858581.3), dbSNP rs1304991323, ClinGen allele CA635767880.